The following is an entry in ClinVar:

NM_014874.4(MFN2):c.839G>C (p.Arg280Pro)

Gene: MFN2 (mitofusin 2; plus strand). Cytogenetic location: 1p36.22.
Variant type: single nucleotide variant.
Coding change: c.839G>C on transcript NM_014874.4 (MANE Select); coding-DNA position 839, G replaced by C.
Protein change: p.Arg280Pro; replaces arginine 280 with proline.
Molecular consequence: missense variant.
Genome position (GRCh38, 1-based): chr1:12,001,423, G>C. VCF-style: chr1-12001423-G-C. GRCh37 (hg19) VCF-style: chr1-12061480-G-C.
Other names: c.839G>C, p.Arg280Pro (NM_001127660.2); short protein forms R280P.
Identifiers: ClinVar variation 801444 (VCV000801444.3), dbSNP rs28940294, ClinGen allele CA338441499.

ClinVar aggregate classification (germline): Likely pathogenic. Review status: criteria provided, multiple submitters, no conflicts (2 of 4 stars). 2 submissions from 2 submitters: Likely pathogenic (2). Last evaluated 2025-02-24.

Conditions:
Charcot-Marie-Tooth disease type 2A2. Also called: Charcot-Marie-Tooth Neuropathy Type 2A2; CHARCOT-MARIE-TOOTH DISEASE, AXONAL, AUTOSOMAL DOMINANT, TYPE 2A2A; CHARCOT-MARIE-TOOTH DISEASE, AXONAL, TYPE 2A2; CHARCOT-MARIE-TOOTH DISEASE, NEURONAL, TYPE 2A2; HEREDITARY MOTOR AND SENSORY NEUROPATHY IIA2; HMSN IIA2. Identifiers: Orphanet 99947, MedGen C4721887, MONDO:0012231, OMIM 609260.

Submissions (2):

Dasa
Classification: Likely pathogenic. Last evaluated: 2025-02-24. Review status: criteria provided, single submitter. Criteria: DASA Assertion Criteria. Collection method: clinical testing. Allele origin: germline.
Comment: NM_014874.4(MFN2):c.839G>C (p.Arg280Pro) is a missense variant that results in the substitution of arginine with proline. The affected residue or protein region has prior evidence supporting clinical relevance. This variant has been reported in individuals with MFN2-related disorders (PMID: 31211173). Also, this variant is absent from population databases. Computational evidence supports a deleterious effect. Based on the currently available evidence, this variant is classified as likely pathogenic.

Mendelics
Classification: Likely pathogenic for Charcot-Marie-Tooth disease type 2A2. Last evaluated: 2019-05-28. Review status: criteria provided, single submitter. Criteria: Mendelics Assertion Criteria 2017. Collection method: clinical testing. Allele origin: unknown.

Literature cited by the submitters: PubMed 31211173 (cited by Dasa).